The following is an entry in ClinVar:

ClinVar aggregate classification (germline): Uncertain significance (1 of 4 stars; one submission).

Submission:

Labcorp Genetics (formerly Invitae), Labcorp
Classification: Uncertain significance. Last evaluated: 2023-06-09. Review status: criteria provided, single submitter. Criteria: Invitae Variant Classification Sherloc (09022015). Collection method: clinical testing. Allele origin: unknown.
Comment: In summary, the available evidence is currently insufficient to determine the role of this variant in disease. Therefore, it has been classified as a Variant of Uncertain Significance. Experimental studies and prediction algorithms are not available or were not evaluated, and the functional significance of this variant is currently unknown. This variant has not been reported in the literature in individuals affected with GINS1-related conditions. This variant is a gross deletion of the genomic region encompassing exon(s) 7 of the GINS1 gene, which includes the termination codon. This deletion extends beyond the assayed region for this gene and therefore may encompass additional genes. While this deletion is not anticipated to lead to nonsense mediated decay, it is expected to alter mRNA translation or result in a truncated protein product.

NC_000020.10:g.(?_25426539)_(25426627_?)del

Gene: GINS1 (GINS complex subunit 1; plus strand). Cytogenetic location: 20p11.21.
Variant type: Deletion.
Identifiers: ClinVar variation 3248343 (VCV003248343.1).